The following is an entry in ClinVar:

NM_007294.4(BRCA1):c.433C>A (p.Pro145Thr)

Gene: BRCA1 (BRCA1 DNA repair associated; minus strand). Cytogenetic location: 17q21.31.
Variant type: single nucleotide variant.
Coding change: c.433C>A on transcript NM_007294.4 (MANE Select); coding-DNA position 433, C replaced by A.
Protein change: p.Pro145Thr; replaces proline 145 with threonine.
Molecular consequence: missense variant. On other transcripts: non-coding transcript variant (1).
Genome position (GRCh38, 1-based): chr17:43,104,130, G>T on the plus strand (C>A on the coding strand, the complement: BRCA1 is on the minus strand). VCF-style: chr17-43104130-G-T. GRCh37 (hg19) VCF-style: chr17-41256147-G-T.
Other names: c.433C>A, p.Pro145Thr (NM_001407587.1, NM_001407590.1, NM_001407591.1 and 165 more transcripts); c.424C>A, p.Pro142Thr (NM_001407646.1, NM_001407647.1, NM_001408408.1); c.355C>A, p.Pro119Thr (NM_001407653.1, NM_001407654.1, NM_001407655.1 and 21 more transcripts); c.292C>A, p.Pro98Thr (NM_001407692.1, NM_001407694.1, NM_001407695.1 and 99 more transcripts); c.223C>A, p.Pro75Thr (NM_001407853.1, NM_001407879.1, NM_001407881.1 and 58 more transcripts); c.52C>A, p.Pro18Thr (NM_001407959.1, NM_001407960.1, NM_001407962.1 and 4 more transcripts); c.301C>A, p.Pro101Thr (NM_001408451.1); short protein forms P145T, P98T, P119T, P142T, P18T, P101T, P75T.
Identifiers: ClinVar variation 846046 (VCV000846046.16), dbSNP rs2054618097, ClinGen allele CA10601282.

ClinVar aggregate classification (germline): Uncertain significance. Review status: criteria provided, multiple submitters, no conflicts (2 of 4 stars). 4 submissions from 4 submitters: Uncertain significance (4). Last evaluated 2025-04-10.

Conditions:
Hereditary breast ovarian cancer syndrome. Also called: Hereditary breast and/or ovarian cancer syndrome; BRCA1- and BRCA2-Associated Hereditary Breast and Ovarian Cancer; Hereditary breast and ovarian cancer syndrome; Hereditary breast and ovarian cancer; Hereditary breast and ovarian cancer syndrome (HBOC); Breast and ovarian cancer. Identifiers: Orphanet 145, MedGen C0677776, MeSH D061325, MONDO:0003582. Disease mechanism: loss of function.
Breast-ovarian cancer, familial, susceptibility to, 1 (BROVCA1). Also called: BRCA1 Hereditary Breast and Ovarian Cancer; OVARIAN CANCER, SUSCEPTIBILITY TO. Identifiers: Orphanet 145, MedGen C2676676, MONDO:0011450, OMIM 604370. Disease mechanism: loss of function.
Hereditary cancer-predisposing syndrome. Also called: Tumor predisposition; Hereditary Cancer Syndrome; Hereditary neoplastic syndrome; Neoplastic Syndromes, Hereditary. Identifiers: Orphanet 140162, MedGen C0027672, MeSH D009386, MONDO:0015356.

gnomAD v4.1: 1 of 1,613,458 alleles (0.000062%); no homozygotes.

Submissions (4):

Ambry Genetics
Classification: Uncertain significance for Hereditary cancer-predisposing syndrome. Last evaluated: 2025-04-10. Review status: criteria provided, single submitter. Criteria: Ambry Variant Classification Scheme 2023. Collection method: clinical testing. Allele origin: germline.
Comment: The p.P145T variant (also known as c.433C>A), located in coding exon 5 of the BRCA1 gene, results from a C to A substitution at nucleotide position 433. The proline at codon 145 is replaced by threonine, an amino acid with highly similar properties. This amino acid position is not well conserved in available vertebrate species. In addition, this alteration is predicted to be deleterious by in silico analysis. Based on the available evidence, the clinical significance of this variant remains unclear.

Labcorp Genetics (formerly Invitae), Labcorp
Classification: Uncertain significance for Hereditary breast ovarian cancer syndrome. Last evaluated: 2024-07-24. Review status: criteria provided, single submitter. Criteria: Invitae Variant Classification Sherloc (09022015). Collection method: clinical testing. Allele origin: germline.
Comment: This sequence change replaces proline, which is neutral and non-polar, with threonine, which is neutral and polar, at codon 145 of the BRCA1 protein (p.Pro145Thr). This variant is not present in population databases (gnomAD no frequency). This variant has not been reported in the literature in individuals affected with BRCA1-related conditions. ClinVar contains an entry for this variant (Variation ID: 846046). Advanced modeling of protein sequence and biophysical properties (such as structural, functional, and spatial information, amino acid conservation, physicochemical variation, residue mobility, and thermodynamic stability) performed at Invitae indicates that this missense variant is not expected to disrupt BRCA1 protein function with a negative predictive value of 95%. In summary, the available evidence is currently insufficient to determine the role of this variant in disease. Therefore, it has been classified as a Variant of Uncertain Significance.

Baylor Genetics
Classification: Uncertain significance for Breast-ovarian cancer, familial, susceptibility to, 1. Last evaluated: 2023-10-25. Review status: criteria provided, single submitter. Criteria: ACMG Guidelines, 2015. Collection method: clinical testing. Allele origin: unknown.

GeneDx
Classification: Uncertain significance. Last evaluated: 2020-12-08. Review status: criteria provided, single submitter. Criteria: GeneDx Variant Classification Process June 2021. Collection method: clinical testing. Allele origin: germline. Affected: yes.
Comment: Not observed in large population cohorts (Lek 2016); In silico analysis supports that this missense variant has a deleterious effect on protein structure/function; Has not been previously published as pathogenic or benign to our knowledge; Also known as BRCA1 552C>A